The following is an entry in ClinVar:

ClinVar aggregate classification (germline): Uncertain significance (1 of 4 stars; one submission).

Allele frequency attached by ClinVar (database versions not stated): TOPMed 0.00001.

Submission:

Labcorp Genetics (formerly Invitae), Labcorp
Classification: Uncertain significance. Last evaluated: 2020-01-07. Review status: criteria provided, single submitter. Criteria: Invitae Variant Classification Sherloc (09022015). Collection method: clinical testing. Allele origin: germline.
Comment: In summary, the available evidence is currently insufficient to determine the role of this variant in disease. Therefore, it has been classified as a Variant of Uncertain Significance. This sequence change replaces proline with serine at codon 208 of the WHSC1 protein (p.Pro208Ser). The proline residue is highly conserved and there is a moderate physicochemical difference between proline and serine. This variant is not present in population databases (ExAC no frequency). This variant has not been reported in the literature in individuals with WHSC1-related conditions. Algorithms developed to predict the effect of missense changes on protein structure and function (SIFT, PolyPhen-2, Align-GVGD) all suggest that this variant is likely to be tolerated, but these predictions have not been confirmed by published functional studies and their clinical significance is uncertain.

NM_001042424.3(NSD2):c.622C>T (p.Pro208Ser)

Gene: NSD2 (nuclear receptor binding SET domain protein 2; plus strand). Cytogenetic location: 4p16.3.
Variant type: single nucleotide variant.
Coding change: c.622C>T on transcript NM_001042424.3 (MANE Select); coding-DNA position 622, C replaced by T.
Protein change: p.Pro208Ser; replaces proline 208 with serine.
Molecular consequence: missense variant.
Genome position (GRCh38, 1-based): chr4:1,904,240, C>T. VCF-style: chr4-1904240-C-T. GRCh37 (hg19) VCF-style: chr4-1905967-C-T.
Other names: c.622C>T, p.Pro208Ser (NM_007331.2, NM_133330.3, NM_133331.3 and 2 more transcripts); short protein forms P208S.
Identifiers: ClinVar variation 1017333 (VCV001017333.8), dbSNP rs1430402689, ClinGen allele CA355996366.